The following is an entry in ClinVar:

ClinVar aggregate classification (germline): Conflicting classifications of pathogenicity. Review status: criteria provided, conflicting classifications (1 of 4 stars). 5 submissions from 5 submitters: Likely pathogenic (3); Uncertain significance (2). Last evaluated 2025-10-02.

Conditions:
Zellweger spectrum disorders (ZS). Also called: Zellweger Spectrum Disorder (ZSD); Zellweger Spectrum Disorder; Zellweger Spectrum; Zellweger syndrome. Identifiers: Orphanet 912, MedGen C0043459, MONDO:0019609.
Heimler syndrome 2 (HMLR2). Also called: PEROXISOME BIOGENESIS DISORDER 4C. Identifiers: Orphanet 3220, MedGen C4225267, OMIM 616617, MONDO:0014709.
Peroxisome biogenesis disorder. Identifiers: Orphanet 79189, MedGen C1832200, MONDO:0019234. Disease mechanism: loss of function.

gnomAD v4.1: 1 of 1,613,474 alleles (0.000062%); highest among the groups gnomAD compares: Admixed American, 0.0017%; no homozygotes.

Submissions (5):

GeneDx
Classification: Likely pathogenic. Last evaluated: 2025-10-02. Review status: criteria provided, single submitter. Criteria: GeneDx Variant Classification Process June 2021. Collection method: clinical testing. Allele origin: germline.
Comment: Reported in patients with milder forms of PEX6-related disorders in the published literature (PMID: 32214787, 31884617); Not observed at significant frequency in large population cohorts (gnomAD); In silico analysis supports that this missense variant has a deleterious effect on protein structure/function; This variant is associated with the following publications: (PMID: 32214787, 31884617)

Natera, Inc.
Classification: Likely pathogenic for Zellweger syndrome. Last evaluated: 2025-02-20. Review status: criteria provided, single submitter. Criteria: Natera Variant Classification Schema (03/2026). Collection method: clinical testing. Allele origin: germline.
Comment: The c.1310G>A variant in PEX6 is a missense variant predicted to cause substitution of glycine to aspartic acid at amino acid 437. This variant is rare in the general population with a frequency below the threshold expected for the associated phenotype(s). This variant has been observed in one or more individuals affected with the associated recessive disease, as either homozygous or compound heterozygous with a second variant (PMID: 32214787, 31884617). Additionally, this variant has been observed to segregate in affected family members (PMID: 32214787). This variant has been identified in one or more affected individuals with a phenotype highly consistent with the associated gene (PMID: 31884617). Given the available evidence, this variant is classified as Likely Pathogenic.

Baylor Genetics
Classification: Likely pathogenic for Heimler syndrome 2. Last evaluated: 2023-10-23. Review status: criteria provided, single submitter. Criteria: ACMG Guidelines, 2015. Collection method: clinical testing. Allele origin: unknown.

Labcorp Genetics (formerly Invitae), Labcorp
Classification: Uncertain significance for Peroxisome biogenesis disorder. Last evaluated: 2022-05-29. Review status: criteria provided, single submitter. Criteria: Invitae Variant Classification Sherloc (09022015). Collection method: clinical testing. Allele origin: germline.
Comment: This sequence change replaces glycine, which is neutral and non-polar, with aspartic acid, which is acidic and polar, at codon 437 of the PEX6 protein (p.Gly437Asp). This variant is present in population databases (rs771063294, gnomAD 0.003%). This missense change has been observed in individual(s) with clinical features of Zellweger syndrome (PMID: 31884617, 32214787). In at least one individual the data is consistent with being in trans (on the opposite chromosome) from a pathogenic variant. ClinVar contains an entry for this variant (Variation ID: 579632). Algorithms developed to predict the effect of missense changes on protein structure and function are either unavailable or do not agree on the potential impact of this missense change (SIFT: "Tolerated"; PolyPhen-2: "Probably Damaging"; Align-GVGD: "Class C0"). In summary, the available evidence is currently insufficient to determine the role of this variant in disease. Therefore, it has been classified as a Variant of Uncertain Significance.

Eurofins Ntd Llc (ga)
Classification: Uncertain significance. Last evaluated: 2017-07-07. Review status: criteria provided, single submitter. Criteria: EGL Classification Definitions 2015. Collection method: clinical testing. Allele origin: germline. Observed: 1 variant allele, 1 heterozygote.

Literature cited by the submitters: PubMed 32214787 (cited by Natera, Inc. and Labcorp Genetics (formerly Invitae), Labcorp); PubMed 31884617 (cited by Natera, Inc. and Labcorp Genetics (formerly Invitae), Labcorp).

NM_000287.4(PEX6):c.1310G>A (p.Gly437Asp)

Gene: PEX6 (peroxisomal biogenesis factor 6; minus strand). Cytogenetic location: 6p21.1.
Variant type: single nucleotide variant.
Coding change: c.1310G>A on transcript NM_000287.4 (MANE Select); coding-DNA position 1310, G replaced by A.
Protein change: p.Gly437Asp; replaces glycine 437 with aspartic acid.
Molecular consequence: missense variant. On other transcripts: non-coding transcript variant (1).
Genome position (GRCh38, 1-based): chr6:42,969,725, C>T on the plus strand (G>A on the coding strand, the complement: PEX6 is on the minus strand). VCF-style: chr6-42969725-C-T. GRCh37 (hg19) VCF-style: chr6-42937463-C-T.
Other names: c.1046G>A, p.Gly349Asp (NM_001316313.2); short protein forms G437D, G349D.
Identifiers: ClinVar variation 579632 (VCV000579632.10), dbSNP rs771063294, ClinGen allele CA138227640.